The following is an entry in ClinVar:

NM_201384.3(PLEC):c.4980C>T (p.Ala1660=)

Gene: PLEC (plectin; minus strand). Cytogenetic location: 8q24.3.
Variant type: single nucleotide variant.
Coding change: c.4980C>T on transcript NM_201384.3 (MANE Select); coding-DNA position 4980, C replaced by T.
Protein change: p.Ala1660=; no amino-acid change (alanine 1660 retained).
Molecular consequence: synonymous variant.
Genome position (GRCh38, 1-based): chr8:143,924,949, G>A on the plus strand (C>T on the coding strand, the complement: PLEC is on the minus strand). VCF-style: chr8-143924949-G-A. GRCh37 (hg19) VCF-style: chr8-144999117-G-A.
Other names: c.5061C>T, p.Ala1687= (NM_000445.5); c.4938C>T, p.Ala1646= (NM_201378.4); c.4914C>T, p.Ala1638= (NM_201379.3); c.5391C>T, p.Ala1797= (NM_201380.4); c.4884C>T, p.Ala1628= (NM_201381.3); c.4980C>T, p.Ala1660= (NM_201382.4); c.4992C>T, p.Ala1664= (NM_201383.3).
Identifiers: ClinVar variation 448071 (VCV000448071.53), dbSNP rs199612329, ClinGen allele CA4926476.

ClinVar aggregate classification (germline): Conflicting classifications of pathogenicity. Review status: criteria provided, conflicting classifications (1 of 4 stars). 5 submissions from 5 submitters: Uncertain significance (1); Benign (2); Likely benign (1). 1 of the submissions does not count toward it. Last evaluated 2026-01-13.

Conditions:
PLEC-related disorder. Also called: PLEC-related disorders; PLEC-related condition.
Autosomal recessive limb-girdle muscular dystrophy type 2Q (LGMDR17). Also called: MUSCULAR DYSTROPHY, LIMB-GIRDLE, AUTOSOMAL RECESSIVE 17. Identifiers: Orphanet 254361, MedGen C3150989, MONDO:0013390, OMIM 613723.
Epidermolysis bullosa simplex 5B, with muscular dystrophy (EBS5B). Also called: Epidermolysis bullosa simplex with muscular dystrophy; EPIDERMOLYSIS BULLOSA SIMPLEX AND LIMB-GIRDLE MUSCULAR DYSTROPHY. Identifiers: Orphanet 257, MedGen C2931072, MONDO:0009181, OMIM 226670.
Epidermolysis bullosa simplex, Ogna type (EBS5A). Also called: Pidermolysis bullosa simplex 5A, Ogna type; EPIDERMOLYSIS BULLOSA SIMPLEX 5A, OGNA TYPE. Identifiers: Orphanet 79401, MedGen C0432317, MONDO:0007555, OMIM 131950.
Epidermolysis bullosa simplex 5C, with pyloric atresia (EBS5C). Also called: PLEC-Related Epidermolysis Bullosa with Pyloric Atresia; Epidermolysis bullosa simplex with pyloric atresia; PLEC1-Related Epidermolysis Bullosa with Pyloric Atresia. Identifiers: Orphanet 158684, MedGen C2677349, MONDO:0012807, OMIM 612138.
Epidermolysis bullosa simplex with nail dystrophy (EBS5D). Identifiers: MedGen C4225309, MONDO:0014661, OMIM 616487.

Allele frequency attached by ClinVar (database versions not stated): gnomAD 0.00101 and 0.00097; 1000 Genomes Project 30x 0.00172; ESP Exome Variant Server 0.00043; TOPMed 0.00088; 1000 Genomes Project 0.00100.
gnomAD v4.1: 408 of 1,580,782 alleles (0.026%); highest among the groups gnomAD compares: African/African-American, 0.34%; no homozygotes.

Submissions (5):

Labcorp Genetics (formerly Invitae), Labcorp
Classification: Benign for Autosomal recessive limb-girdle muscular dystrophy type 2Q; Epidermolysis bullosa simplex, Ogna type; Epidermolysis bullosa simplex with nail dystrophy; Epidermolysis bullosa simplex 5C, with pyloric atresia; Epidermolysis bullosa simplex 5B, with muscular dystrophy. Last evaluated: 2026-01-13. Review status: criteria provided, single submitter. Criteria: Invitae Variant Classification Sherloc (09022015). Collection method: clinical testing. Allele origin: germline.

GeneDx
Classification: Likely benign. Last evaluated: 2020-08-05. Review status: criteria provided, single submitter. Criteria: GeneDx Variant Classification Process June 2021. Collection method: clinical testing. Allele origin: germline. Affected: yes.

CeGaT Center for Human Genetics Tuebingen
Classification: Uncertain significance. Last evaluated: 2017-12-01. Review status: criteria provided, single submitter. Criteria: CeGaT Center For Human Genetics Tuebingen Variant Classification Criteria Version 2. Collection method: clinical testing. Allele origin: germline. Affected: yes. Observed: 1 variant allele.

Athena Diagnostics
Classification: Benign. Last evaluated: 2016-11-22. Review status: criteria provided, single submitter. Criteria: Athena Diagnostics Criteria. Collection method: clinical testing. Allele origin: germline.

PreventionGenetics, part of Exact Sciences
Classification: Likely benign for PLEC-related condition. Last evaluated: 2024-06-23. Review status: no assertion criteria provided. Collection method: clinical testing. Allele origin: germline. Not counted in ClinVar's aggregate classification.
Comment: This variant is classified as likely benign based on ACMG/AMP sequence variant interpretation guidelines (Richards et al. 2015 PMID: 25741868, with internal and published modifications).